The following is an entry in ClinVar:

ClinVar aggregate classification (germline): Uncertain significance (1 of 4 stars; one submission).

Allele frequency attached by ClinVar (database versions not stated): gnomAD exomes 0.00001 and 0.00002; ExAC 0.00002.
gnomAD v4.1: 4 of 1,612,018 alleles (0.00025%); highest among the groups gnomAD compares: South Asian, 0.0033%; no homozygotes.

Submission:

Labcorp Genetics (formerly Invitae), Labcorp
Classification: Uncertain significance. Last evaluated: 2021-12-03. Review status: criteria provided, single submitter. Criteria: Invitae Variant Classification Sherloc (09022015). Collection method: clinical testing. Allele origin: germline.
Comment: This sequence change replaces glutamine, which is neutral and polar, with arginine, which is basic and polar, at codon 72 of the DNA2 protein (p.Gln72Arg). This variant is present in population databases (rs760726047, gnomAD 0.01%). This variant has not been reported in the literature in individuals affected with DNA2-related conditions. Algorithms developed to predict the effect of missense changes on protein structure and function output the following: SIFT: "Tolerated"; PolyPhen-2: "Not Available"; Align-GVGD: "Class C0". The arginine amino acid residue is found in multiple mammalian species, which suggests that this missense change does not adversely affect protein function. In summary, the available evidence is currently insufficient to determine the role of this variant in disease. Therefore, it has been classified as a Variant of Uncertain Significance.

NM_001080449.3(DNA2):c.215A>G (p.Gln72Arg)

Gene: DNA2 (DNA replication helicase/nuclease 2; minus strand). Cytogenetic location: 10q21.3.
Variant type: single nucleotide variant.
Coding change: c.215A>G on transcript NM_001080449.3 (MANE Select); coding-DNA position 215, A replaced by G.
Protein change: p.Gln72Arg; replaces glutamine 72 with arginine.
Molecular consequence: missense variant. On other transcripts: non-coding transcript variant (1).
Genome position (GRCh38, 1-based): chr10:68,470,023, T>C on the plus strand (A>G on the coding strand, the complement: DNA2 is on the minus strand). VCF-style: chr10-68470023-T-C. GRCh37 (hg19) VCF-style: chr10-70229780-T-C.
Other names: short protein forms Q72R.
Identifiers: ClinVar variation 1396154 (VCV001396154.6), dbSNP rs760726047, ClinGen allele CA5525354.